The following is an entry in ClinVar:

ClinVar aggregate classification (germline): Conflicting classifications of pathogenicity. Review status: criteria provided, conflicting classifications (1 of 4 stars). 4 submissions from 4 submitters: Uncertain significance (2); Likely benign (2). Last evaluated 2026-01-22.

Conditions:
Bruck syndrome 2 (BRKS2). Also called: OSTEOGENESIS IMPERFECTA WITH CONGENITAL JOINT CONTRACTURES. Identifiers: Orphanet 2771, MedGen C1836602, MONDO:0012217, OMIM 609220.

Allele frequency attached by ClinVar (database versions not stated): gnomAD exomes 0.00021 and 0.00050; ExAC 0.00022; gnomAD 0.00028 and 0.00030; TOPMed 0.00033; ESP Exome Variant Server 0.00069.
gnomAD v4.1: 697 of 1,464,534 alleles (0.048%); highest among the groups gnomAD compares: Non-Finnish European, 0.063%; no homozygotes.

Submissions (4):

Labcorp Genetics (formerly Invitae), Labcorp
Classification: Likely benign. Last evaluated: 2026-01-22. Review status: criteria provided, single submitter. Criteria: Invitae Variant Classification Sherloc (09022015). Collection method: clinical testing. Allele origin: germline.

Blueprint Genetics
Classification: Likely benign. Last evaluated: 2024-10-15. Review status: criteria provided, single submitter. Criteria: ACMG Guidelines, 2015. Collection method: clinical testing. Allele origin: germline.

GeneDx
Classification: Uncertain significance. Last evaluated: 2021-10-14. Review status: criteria provided, single submitter. Criteria: GeneDx Variant Classification Process June 2021. Collection method: clinical testing. Allele origin: germline. Affected: yes.
Comment: Has not been previously published as pathogenic or benign to our knowledge; In-silico analysis, which includes splice predictors and evolutionary conservation, is inconclusive as to whether the variant alters gene splicing. In the absence of RNA/functional studies, the actual effect of this sequence change is unknown.

Illumina Laboratory Services, Illumina
Classification: Uncertain significance for Bruck syndrome 2. Last evaluated: 2018-01-13. Review status: criteria provided, single submitter. Criteria: ICSL Variant Classification Criteria 13 December 2019. Collection method: clinical testing. Allele origin: germline.

NM_182943.3(PLOD2):c.1744-11A>G

Gene: PLOD2 (procollagen-lysine,2-oxoglutarate 5-dioxygenase 2; minus strand). Cytogenetic location: 3q24.
Variant type: single nucleotide variant.
Coding change: c.1744-11A>G on transcript NM_182943.3 (MANE Select); 11 bases into the intron before coding-DNA position 1744, A replaced by G.
Molecular consequence: intron variant.
Genome position (GRCh38, 1-based): chr3:146,072,676, T>C on the plus strand (A>G on the coding strand, the complement: PLOD2 is on the minus strand). VCF-style: chr3-146072676-T-C. GRCh37 (hg19) VCF-style: chr3-145790463-T-C.
Other names: c.1681-11A>G (NM_000935.3).
Identifiers: ClinVar variation 900159 (VCV000900159.13), dbSNP rs376704588, ClinGen allele CA2654778.